The following is an entry in ClinVar:

ClinVar aggregate classification (germline): Uncertain significance. Review status: criteria provided, multiple submitters, no conflicts (2 of 4 stars). 2 submissions from 2 submitters: Uncertain significance (2). Last evaluated 2022-01-11.

Conditions:
Benign neonatal seizures. Also called: Benign familial neonatal epilepsy; Convulsions benign familial neonatal dominant form; Autosomal dominant form of benign neonatal seizures; Benign familial neonatal seizures; Benign neonatal familial convulsions. Identifiers: Orphanet 1949, MedGen C0220669, MONDO:0016027.
Seizures, benign familial neonatal, 2. Also called: Seizures, benign neonatal, 2; Benign Neonatal Epilepsy 2; CONVULSIONS, BENIGN FAMILIAL NEONATAL, 2; KCNQ3-Related Benign Familial Neonatal Epilepsy; KCNQ3-Related Self-Limited Familial Neonatal Epilepsy (SLFNE). Identifiers: Orphanet 1949, MedGen C1852581, MONDO:0007366, OMIM 121201.

Allele frequency attached by ClinVar (database versions not stated): TOPMed 0.00001; gnomAD 0.00001.
gnomAD v4.1: 11 of 1,614,052 alleles (0.00068%); highest among the groups gnomAD compares: African/African-American, 0.0013%; no homozygotes.

Submissions (2):

Labcorp Genetics (formerly Invitae), Labcorp
Classification: Uncertain significance for Benign neonatal seizures. Last evaluated: 2022-01-11. Review status: criteria provided, single submitter. Criteria: Invitae Variant Classification Sherloc (09022015). Collection method: clinical testing. Allele origin: germline.
Comment: Advanced modeling of protein sequence and biophysical properties (such as structural, functional, and spatial information, amino acid conservation, physicochemical variation, residue mobility, and thermodynamic stability) performed at Invitae indicates that this missense variant is not expected to disrupt KCNQ3 protein function. In summary, the available evidence is currently insufficient to determine the role of this variant in disease. Therefore, it has been classified as a Variant of Uncertain Significance. ClinVar contains an entry for this variant (Variation ID: 579852). This variant has not been reported in the literature in individuals affected with KCNQ3-related conditions. This variant is present in population databases (rs764065145, gnomAD 0.007%). This sequence change replaces threonine, which is neutral and polar, with methionine, which is neutral and non-polar, at codon 740 of the KCNQ3 protein (p.Thr740Met).

Illumina Laboratory Services, Illumina
Classification: Uncertain significance for Seizures, benign familial neonatal, 2. Last evaluated: 2018-01-12. Review status: criteria provided, single submitter. Criteria: ICSL Variant Classification Criteria 13 December 2019. Collection method: clinical testing. Allele origin: germline.

NM_004519.4(KCNQ3):c.2219C>T (p.Thr740Met)

Gene: KCNQ3 (potassium voltage-gated channel subfamily Q member 3; minus strand). Cytogenetic location: 8q24.22.
Variant type: single nucleotide variant.
Coding change: c.2219C>T on transcript NM_004519.4 (MANE Select); coding-DNA position 2219, C replaced by T.
Protein change: p.Thr740Met; replaces threonine 740 with methionine.
Molecular consequence: missense variant.
Genome position (GRCh38, 1-based): chr8:132,129,662, G>A on the plus strand (C>T on the coding strand, the complement: KCNQ3 is on the minus strand). VCF-style: chr8-132129662-G-A. GRCh37 (hg19) VCF-style: chr8-133141909-G-A.
Other names: c.1859C>T, p.Thr620Met (NM_001204824.2); short protein forms T740M, T620M.
Identifiers: ClinVar variation 579852 (VCV000579852.15), dbSNP rs764065145, ClinGen allele CA4880489.
Genomic context (GRCh38, chr8:132,129,662, plus strand): 5'-CAGCTCACTCGGGAGTCGAGAAGAGTCAAGATAGGCAGGACCGTGGGCCTCTCCACATAC[G>A]TTGTTGCTGAGGAAGGAGGAGTTGCCTGAACCTTTCCAGAACTGGGTCCCCCTCGGGGCA-3'
Protein context (NP_004510.1, residues 730-750): VQATPPSSAT[Thr740Met]YVERPTVLPI